The following is an entry in ClinVar:

ClinVar aggregate classification (germline): Uncertain significance (1 of 4 stars; one submission).

Submission:

Ambry Genetics
Classification: Uncertain significance. Last evaluated: 2025-01-17. Review status: criteria provided, single submitter. Criteria: Ambry Variant Classification Scheme 2023. Collection method: clinical testing. Allele origin: germline.
Comment: The p.P537T variant (also known as c.1609C>A), located in coding exon 2 of the CDK12 gene, results from a C to A substitution at nucleotide position 1609. The proline at codon 537 is replaced by threonine, an amino acid with highly similar properties. This amino acid position is conserved. In addition, this alteration is predicted to be tolerated by in silico analysis. Based on the available evidence, the clinical significance of this variant remains unclear.

NM_016507.4(CDK12):c.1609C>A (p.Pro537Thr)

Gene: CDK12 (cyclin dependent kinase 12; plus strand). Cytogenetic location: 17q12.
Variant type: single nucleotide variant.
Coding change: c.1609C>A on transcript NM_016507.4 (MANE Select); coding-DNA position 1609, C replaced by A.
Protein change: p.Pro537Thr; replaces proline 537 with threonine.
Molecular consequence: missense variant.
Genome position (GRCh38, 1-based): chr17:39,471,441, C>A. VCF-style: chr17-39471441-C-A. GRCh37 (hg19) VCF-style: chr17-37627694-C-A.
Other names: c.1609C>A, p.Pro537Thr (NM_015083.4); short protein forms P537T.
Identifiers: ClinVar variation 3830515 (VCV003830515.1).